The following is an entry in ClinVar:

NM_001374736.1(DST):c.13243G>A (p.Glu4415Lys)

Gene: DST (dystonin; minus strand). Cytogenetic location: 6p12.1.
Variant type: single nucleotide variant.
Coding change: c.13243G>A on transcript NM_001374736.1 (MANE Select); coding-DNA position 13243, G replaced by A.
Protein change: p.Glu4415Lys; replaces glutamic acid 4415 with lysine.
Molecular consequence: missense variant.
Genome position (GRCh38, 1-based): chr6:56,573,058, C>T on the plus strand (G>A on the coding strand, the complement: DST is on the minus strand). VCF-style: chr6-56573058-C-T. GRCh37 (hg19) VCF-style: chr6-56437856-C-T.
Other names: c.6886G>A, p.Glu2296Lys (NM_001144769.5); c.6472G>A, p.Glu2158Lys (NM_001144770.2); c.13243G>A, p.Glu4415Lys (NM_001374722.1); c.12610G>A, p.Glu4204Lys (NM_001374729.1); c.6352G>A, p.Glu2118Lys (NM_001374730.1, NM_001386100.1, NM_183380.4); c.13270G>A, p.Glu4424Lys (NM_001374734.1); c.5374G>A, p.Glu1792Lys (NM_015548.5); short protein forms E2118K, E2158K, E1792K, E2296K, E4204K, E4415K, E4424K.
Identifiers: ClinVar variation 646418 (VCV000646418.9), dbSNP rs976294831, ClinGen allele CA139213220.

ClinVar aggregate classification (germline): Uncertain significance. Review status: criteria provided, multiple submitters, no conflicts (2 of 4 stars). 2 submissions from 2 submitters: Uncertain significance (2). Last evaluated 2023-08-11.

Conditions:
Epidermolysis bullosa simplex 3, localized or generalized intermediate, with BP230 deficiency (EBS3). Also called: Epidermolysis bullosa simplex due to BP230 deficiency; Epidermolysis bullosa simplex, autosomal recessive 2. Identifiers: Orphanet 412181, MedGen C3809470, MONDO:0014180, OMIM 615425.
Hereditary sensory and autonomic neuropathy type 6. Also called: Neuropathy, hereditary sensory and autonomic, type VI; HSAN VI. Identifiers: Orphanet 314381, MedGen C3539003, MONDO:0013839, OMIM 614653.
Inborn genetic diseases. Identifiers: MedGen C0950123, MeSH D030342.

Allele frequency attached by ClinVar (database versions not stated): gnomAD 0.00001; gnomAD exomes 0.00001; TOPMed 0.00002.
gnomAD v4.1: 17 of 1,551,344 alleles (0.0011%); highest among the groups gnomAD compares: Admixed American, 0.0021%; no homozygotes.

Submissions (2):

Labcorp Genetics (formerly Invitae), Labcorp
Classification: Uncertain significance for Epidermolysis bullosa simplex 3, localized or generalized intermediate, with BP230 deficiency; Hereditary sensory and autonomic neuropathy type 6. Last evaluated: 2023-08-11. Review status: criteria provided, single submitter. Criteria: Invitae Variant Classification Sherloc (09022015). Collection method: clinical testing. Allele origin: germline.
Comment: The DST gene has multiple clinically relevant transcripts. This variant occurs in alternate transcript NM_015548.4, which corresponds to NM_001723.5:c.*42459G>A in the primary transcript. In summary, the available evidence is currently insufficient to determine the role of this variant in disease. Therefore, it has been classified as a Variant of Uncertain Significance. Experimental studies and prediction algorithms are not available or were not evaluated, and the functional significance of this variant is currently unknown. ClinVar contains an entry for this variant (Variation ID: 646418). This variant has not been reported in the literature in individuals affected with DST-related conditions. This variant is present in population databases (no rsID available, gnomAD 0.002%). This sequence change replaces glutamic acid, which is acidic and polar, with lysine, which is basic and polar, at codon 1792 of the DST protein (p.Glu1792Lys).

Ambry Genetics
Classification: Uncertain significance for Inborn genetic diseases. Last evaluated: 2022-01-19. Review status: criteria provided, single submitter. Criteria: Ambry Variant Classification Scheme 2023. Collection method: clinical testing. Allele origin: germline.
Comment: The p.E2296K variant (also known as c.6886G>A), located in coding exon 46 of the DST gene, results from a G to A substitution at nucleotide position 6886. The glutamic acid at codon 2296 is replaced by lysine, an amino acid with similar properties. This amino acid position is well conserved in available vertebrate species. In addition, this alteration is predicted to be tolerated by in silico analysis. Since supporting evidence is limited at this time, the clinical significance of this alteration remains unclear.